The following is an entry in ClinVar:

NM_015295.3(SMCHD1):c.5366+4A>G

Gene: SMCHD1 (structural maintenance of chromosomes flexible hinge domain containing 1; plus strand). Cytogenetic location: 18p11.32.
Variant type: single nucleotide variant.
Coding change: c.5366+4A>G on transcript NM_015295.3 (MANE Select); 4 bases into the intron after coding-DNA position 5366, A replaced by G.
Molecular consequence: intron variant.
Genome position (GRCh38, 1-based): chr18:2,775,928, A>G. VCF-style: chr18-2775928-A-G. GRCh37 (hg19) VCF-style: chr18-2775926-A-G.
Identifiers: ClinVar variation 1480573 (VCV001480573.6), dbSNP rs2143772026, ClinGen allele CA2573155123.

ClinVar aggregate classification (germline): Uncertain significance (1 of 4 stars; one submission).

Conditions:
Facioscapulohumeral muscular dystrophy 2 (FSHD2). Also called: MUSCULAR DYSTROPHY, FACIOSCAPULOHUMERAL, TYPE 1B; FACIOSCAPULOHUMERAL MUSCULAR DYSTROPHY 2, DIGENIC; FSHD2, DIGENIC. Identifiers: Orphanet 269, MedGen C1834671, MONDO:0008031, OMIM 158901.

Submission:

Labcorp Genetics (formerly Invitae), Labcorp
Classification: Uncertain significance for Facioscapulohumeral muscular dystrophy 2. Last evaluated: 2024-07-23. Review status: criteria provided, single submitter. Criteria: Invitae Variant Classification Sherloc (09022015). Collection method: clinical testing. Allele origin: germline.
Comment: This sequence change falls in intron 42 of the SMCHD1 gene. It does not directly change the encoded amino acid sequence of the SMCHD1 protein. It affects a nucleotide within the consensus splice site. This variant is not present in population databases (gnomAD no frequency). This variant has not been reported in the literature in individuals affected with SMCHD1-related conditions. ClinVar contains an entry for this variant (Variation ID: 1480573). Variants that disrupt the consensus splice site are a relatively common cause of aberrant splicing (PMID: 17576681, 9536098). Algorithms developed to predict the effect of sequence changes on RNA splicing suggest that this variant is not likely to affect RNA splicing. In summary, the available evidence is currently insufficient to determine the role of this variant in disease. Therefore, it has been classified as a Variant of Uncertain Significance.

Literature cited by the submitters: PubMed 17576681; PubMed 9536098.